The following is an entry in ClinVar:

ClinVar aggregate classification (germline): Likely pathogenic. Review status: criteria provided, single submitter (1 of 4 stars). 2 submissions from 2 submitters: Likely pathogenic (1). 1 of the submissions does not count toward it. Last evaluated 2020-12-08.

Conditions:
Glutaric aciduria, type 1. Also called: Glutaryl-CoA dehydrogenase deficiency; Glutaricaciduria, type I; GA I; Glutaric Acidemia Type 1; Glutaric acidemia type I; Glutaricacidemia Type 1. Identifiers: Orphanet 25, MedGen C0268595, MONDO:0009281, OMIM 231670.

gnomAD v4.1: 1 of 1,614,138 alleles (0.000062%); highest among the groups gnomAD compares: Non-Finnish European, 0.000085%; no homozygotes.

Submissions (2):

Labcorp Genetics (formerly Invitae), Labcorp
Classification: Likely pathogenic for Glutaric aciduria, type 1. Last evaluated: 2020-12-08. Review status: criteria provided, single submitter. Criteria: Invitae Variant Classification Sherloc (09022015). Collection method: clinical testing. Allele origin: germline.
Comment: This variant is not present in population databases (ExAC no frequency). This sequence change disrupts the translational stop signal of the GCDH mRNA. It is expected to extend the length of the GCDH protein by 27 additional amino acid residues. This variant has been observed in individual(s) with glutaric acidemia type I (PMID: 11073722, 21031586). ClinVar contains an entry for this variant (Variation ID: 556812). In summary, the currently available evidence indicates that the variant is pathogenic, but additional data are needed to prove that conclusively. Therefore, this variant has been classified as Likely Pathogenic.

Counsyl
Classification: Likely pathogenic for Glutaric aciduria, type 1. Last evaluated: 2018-02-20. Review status: no assertion criteria provided. Collection method: clinical testing. Allele origin: unknown. Not counted in ClinVar's aggregate classification.

Literature cited by the submitters: PubMed 11073722 (cited by Labcorp Genetics (formerly Invitae), Labcorp and Counsyl); PubMed 21031586 (cited by Labcorp Genetics (formerly Invitae), Labcorp and Counsyl).

NM_000159.4(GCDH):c.1317A>G (p.Ter439Trp)

Genes: GCDH (glutaryl-CoA dehydrogenase; plus strand), SYCE2 (synaptonemal complex central element protein 2; minus strand), LOC126862860 (BRD4-independent group 4 enhancer GRCh37_chr19:13010146-13011345; plus strand). Cytogenetic location: 19p13.13.
Variant type: single nucleotide variant.
Coding change: c.1317A>G on transcript NM_000159.4 (MANE Select); coding-DNA position 1317, A replaced by G.
Protein change: p.Ter439Trp.
Molecular consequence: stop lost. On other transcripts: non-coding transcript variant (2), intron variant (2).
Genome position (GRCh38, 1-based): chr19:12,899,541, A>G. VCF-style: chr19-12899541-A-G. GRCh37 (hg19) VCF-style: chr19-13010355-A-G.
Other names: *439W; c.1244-159A>G (NM_013976.5); c.613-156T>C (NM_001105578.2).
Identifiers: ClinVar variation 556812 (VCV000556812.10), dbSNP rs1555751995, ClinGen allele CA404322318.